The following is an entry in ClinVar:

NM_018671.5(UNC45A):c.1738-1G>T

Gene: UNC45A (unc-45 myosin chaperone A; plus strand). Cytogenetic location: 15q26.1.
Variant type: single nucleotide variant.
Coding change: c.1738-1G>T on transcript NM_018671.5 (MANE Select); the canonical splice acceptor site of the intron before coding-DNA position 1738, G replaced by T.
Molecular consequence: splice acceptor variant.
Genome position (GRCh38, 1-based): chr15:90,948,653, G>T. VCF-style: chr15-90948653-G-T. GRCh37 (hg19) VCF-style: chr15-91491883-G-T.
Other names: c.1693-1G>T (NM_001039675.2, NM_001323621.2); c.1738-1G>T (NM_001323619.1); c.1303-1G>T (NM_001323620.2).
Identifiers: ClinVar variation 774501 (VCV000774501.13), dbSNP rs146010728, ClinGen allele CA7743049.

ClinVar aggregate classification (germline): Likely benign. Review status: criteria provided, multiple submitters, no conflicts (2 of 4 stars). 2 submissions from 2 submitters: Likely benign (2). Last evaluated 2026-02-01.

Conditions:
UNC45A-related disorder. Also called: UNC45A-related condition.

Allele frequency attached by ClinVar (database versions not stated): 1000 Genomes Project 30x 0.00031; 1000 Genomes Project 0.00040; TOPMed 0.00098; gnomAD exomes 0.00102 and 0.00145; ExAC 0.00103; gnomAD 0.00110 and 0.00117; ESP Exome Variant Server 0.00131.
gnomAD v4.1: 2,308 of 1,613,590 alleles (0.14%); highest among the groups gnomAD compares: Non-Finnish European, 0.16%; 4 homozygotes.

Submissions (13):

Labcorp Genetics (formerly Invitae), Labcorp
Classification: Likely benign. Last evaluated: 2026-02-01. Review status: criteria provided, single submitter. Criteria: Invitae Variant Classification Sherloc (09022015). Collection method: clinical testing. Allele origin: germline.

PreventionGenetics, part of Exact Sciences
Classification: Likely benign for UNC45A-related condition. Last evaluated: 2025-12-30. Review status: criteria provided, single submitter. Criteria: ACMG Guidelines, 2015. Collection method: clinical testing. Allele origin: germline.
Comment: This variant is classified as likely benign based on ACMG/AMP sequence variant interpretation guidelines (Richards et al. 2015 PMID: 25741868, with internal and published modifications).

Dr. Peter K. Rogan Lab, Western University
No classification provided (evidence only). Condition: Lung cancer. Review status: no classification provided. Collection method: in vitro. Allele origin: not applicable. Functional consequence: retained intron. Not counted in ClinVar's aggregate classification.

Dr. Peter K. Rogan Lab, Western University
No classification provided (evidence only). Condition: Melanoma. Review status: no classification provided. Collection method: in vitro. Allele origin: not applicable. Functional consequence: skipped exon, retained intron. Not counted in ClinVar's aggregate classification.

Dr. Peter K. Rogan Lab, Western University
No classification provided (evidence only). Condition: Familial cancer of breast. Review status: no classification provided. Collection method: in vitro. Allele origin: not applicable. Functional consequence: skipped exon, retained intron. Not counted in ClinVar's aggregate classification.

Dr. Peter K. Rogan Lab, Western University
No classification provided (evidence only). Condition: Acute myeloid leukemia. Review status: no classification provided. Collection method: in vitro. Allele origin: not applicable. Functional consequence: retained intron. Not counted in ClinVar's aggregate classification.

Dr. Peter K. Rogan Lab, Western University
No classification provided (evidence only). Condition: Thyroid cancer, nonmedullary, 1. Review status: no classification provided. Collection method: in vitro. Allele origin: not applicable. Functional consequence: skipped exon, retained intron. Not counted in ClinVar's aggregate classification.

Dr. Peter K. Rogan Lab, Western University
No classification provided (evidence only). Condition: Sarcoma. Review status: no classification provided. Collection method: in vitro. Allele origin: not applicable. Functional consequence: skipped exon, retained intron. Not counted in ClinVar's aggregate classification.

Dr. Peter K. Rogan Lab, Western University
No classification provided (evidence only). Condition: Cholangiocarcinoma. Review status: no classification provided. Collection method: in vitro. Allele origin: not applicable. Functional consequence: retained intron. Not counted in ClinVar's aggregate classification.

Dr. Peter K. Rogan Lab, Western University
No classification provided (evidence only). Condition: Ovarian serous cystadenocarcinoma. Review status: no classification provided. Collection method: in vitro. Allele origin: not applicable. Functional consequence: retained intron. Not counted in ClinVar's aggregate classification.

Dr. Peter K. Rogan Lab, Western University
No classification provided (evidence only). Condition: Ovarian serous cystadenocarcinoma. Review status: no classification provided. Collection method: in vitro. Allele origin: not applicable. Functional consequence: retained intron. Not counted in ClinVar's aggregate classification.

Dr. Peter K. Rogan Lab, Western University
No classification provided (evidence only). Condition: Gastric cancer. Review status: no classification provided. Collection method: in vitro. Allele origin: not applicable. Functional consequence: retained intron. Not counted in ClinVar's aggregate classification.

Dr. Peter K. Rogan Lab, Western University
No classification provided (evidence only). Condition: Gastric cancer. Review status: no classification provided. Collection method: in vitro. Allele origin: not applicable. Functional consequence: retained intron. Not counted in ClinVar's aggregate classification.